The following is an entry in ClinVar:

ClinVar aggregate classification (germline): Uncertain significance (1 of 4 stars; one submission).

Conditions:
NPHP3-related disorder. Also called: NPHP3-related condition; NPHP3-related disorders. Identifiers: MedGen CN379163.

gnomAD v4.1: 3 of 1,614,134 alleles (0.00019%); highest among the groups gnomAD compares: East Asian, 0.0022%; no homozygotes.

Submission:

PreventionGenetics, part of Exact Sciences
Classification: Uncertain significance for NPHP3-related condition. Last evaluated: 2025-12-10. Review status: criteria provided, single submitter. Criteria: ACMG Guidelines, 2015. Collection method: clinical testing. Allele origin: germline.
Comment: The NPHP3 c.2126C>A variant is predicted to result in the amino acid substitution p.Thr709Asn. To our knowledge, this variant has not been reported in the literature or in a large population database (gnomAD), indicating this variant is rare. At this time, the clinical significance of this variant is uncertain due to the absence of conclusive functional and genetic evidence.

NM_153240.5(NPHP3):c.2126C>A (p.Thr709Asn)

Genes: NPHP3 (nephrocystin 3; minus strand), NPHP3-ACAD11 (NPHP3-ACAD11 readthrough (NMD candidate); minus strand). Cytogenetic location: 3q22.1.
Variant type: single nucleotide variant.
Coding change: c.2126C>A on transcript NM_153240.5 (MANE Select); coding-DNA position 2126, C replaced by A.
Protein change: p.Thr709Asn; replaces threonine 709 with asparagine.
Molecular consequence: missense variant. On other transcripts: non-coding transcript variant (1).
Genome position (GRCh38, 1-based): chr3:132,696,776, G>T on the plus strand (C>A on the coding strand, the complement: NPHP3 is on the minus strand). VCF-style: chr3-132696776-G-T. GRCh37 (hg19) VCF-style: chr3-132415620-G-T.
Other names: short protein forms T709N.
Identifiers: ClinVar variation 4998886 (VCV004998886.1).